The following is an entry in ClinVar:

ClinVar aggregate classification (germline): Uncertain significance. Review status: criteria provided, multiple submitters, no conflicts (2 of 4 stars). 2 submissions from 2 submitters: Uncertain significance (2). Last evaluated 2024-10-23.

Allele frequency attached by ClinVar (database versions not stated): gnomAD exomes 0.00010; ExAC 0.00014; gnomAD 0.00015 and 0.00018; TOPMed 0.00018; ESP Exome Variant Server 0.00023.
gnomAD v4.1: 106 of 1,614,190 alleles (0.0066%); highest among the groups gnomAD compares: East Asian, 0.067%; 3 homozygotes.

Submissions (2):

Blueprint Genetics
Classification: Uncertain significance. Last evaluated: 2024-10-23. Review status: criteria provided, single submitter. Criteria: ACMG Guidelines, 2015. Collection method: clinical testing. Allele origin: germline.

Labcorp Genetics (formerly Invitae), Labcorp
Classification: Uncertain significance. Last evaluated: 2022-09-24. Review status: criteria provided, single submitter. Criteria: Invitae Variant Classification Sherloc (09022015). Collection method: clinical testing. Allele origin: germline.
Comment: This sequence change replaces alanine, which is neutral and non-polar, with proline, which is neutral and non-polar, at codon 268 of the MCM3AP protein (p.Ala268Pro). This variant is present in population databases (rs138315005, gnomAD 0.1%). This variant has not been reported in the literature in individuals affected with MCM3AP-related conditions. ClinVar contains an entry for this variant (Variation ID: 1514595). Algorithms developed to predict the effect of missense changes on protein structure and function (SIFT, PolyPhen-2, Align-GVGD) all suggest that this variant is likely to be tolerated. In summary, the available evidence is currently insufficient to determine the role of this variant in disease. Therefore, it has been classified as a Variant of Uncertain Significance.

NM_003906.5(MCM3AP):c.802G>C (p.Ala268Pro)

Gene: MCM3AP (minichromosome maintenance complex component 3 associated protein; minus strand). Cytogenetic location: 21q22.3.
Variant type: single nucleotide variant.
Coding change: c.802G>C on transcript NM_003906.5 (MANE Select); coding-DNA position 802, G replaced by C.
Protein change: p.Ala268Pro; replaces alanine 268 with proline.
Molecular consequence: missense variant.
Genome position (GRCh38, 1-based): chr21:46,284,485, C>G on the plus strand (G>C on the coding strand, the complement: MCM3AP is on the minus strand). VCF-style: chr21-46284485-C-G. GRCh37 (hg19) VCF-style: chr21-47704399-C-G.
Other names: short protein forms A268P.
Identifiers: ClinVar variation 1514595 (VCV001514595.4), dbSNP rs138315005, ClinGen allele CA10077267.